The following is an entry in ClinVar:

ClinVar aggregate classification (germline): Likely pathogenic. Review status: criteria provided, multiple submitters, no conflicts (2 of 4 stars). 2 submissions from 2 submitters: Likely pathogenic (2). Last evaluated 2023-08-14.

Conditions:
Autosomal recessive severe congenital neutropenia due to G6PC3 deficiency. Also called: NEUTROPENIA, SEVERE CONGENITAL, 4, AUTOSOMAL RECESSIVE; G6PC3 Deficiency. Identifiers: Orphanet 331176, MedGen C2751630, MONDO:0012930, OMIM 612541.

Allele frequency attached by ClinVar (database versions not stated): gnomAD exomes below 0.00001.

Submissions (2):

GeneDx
Classification: Likely pathogenic. Last evaluated: 2023-08-14. Review status: criteria provided, single submitter. Criteria: GeneDx Variant Classification Process June 2021. Collection method: clinical testing. Allele origin: germline. Affected: yes.
Comment: In silico analysis supports that this missense variant has a deleterious effect on protein structure/function; Not observed at significant frequency in large population cohorts (gnomAD); Alters the last nucleotide of the exon and is predicted to destroy the splice donor site and result in aberrant splicing, although in the absence of functional evidence the actual effect of this sequence change is unknown; This variant is associated with the following publications: (PMID: AlSharie2023[casereport], 33259599)

Labcorp Genetics (formerly Invitae), Labcorp
Classification: Likely pathogenic for Autosomal recessive severe congenital neutropenia due to G6PC3 deficiency. Last evaluated: 2023-04-14. Review status: criteria provided, single submitter. Criteria: Invitae Variant Classification Sherloc (09022015). Collection method: clinical testing. Allele origin: germline.
Comment: In summary, the currently available evidence indicates that the variant is pathogenic, but additional data are needed to prove that conclusively. Therefore, this variant has been classified as Likely Pathogenic. Variants that disrupt the consensus splice site are a relatively common cause of aberrant splicing (PMID: 17576681, 9536098). Algorithms developed to predict the effect of sequence changes on RNA splicing suggest that this variant may disrupt the consensus splice site. An algorithm developed to predict the effect of missense changes on protein structure and function (PolyPhen-2) suggests that this variant is likely to be disruptive. This missense change has been observed in individual(s) with G6PC3 deficiency (PMID: 33259599). In at least one individual the data is consistent with being in trans (on the opposite chromosome) from a pathogenic variant. This variant is not present in population databases (gnomAD no frequency). This sequence change replaces glycine, which is neutral and non-polar, with serine, which is neutral and polar, at codon 109 of the G6PC3 protein (p.Gly109Ser). This variant also falls at the last nucleotide of exon 2, which is part of the consensus splice site for this exon.

Literature cited by the submitters: PubMed 17576681 (cited by Labcorp Genetics (formerly Invitae), Labcorp); PubMed 9536098 (cited by Labcorp Genetics (formerly Invitae), Labcorp); PubMed 33259599 (cited by Labcorp Genetics (formerly Invitae), Labcorp).

NM_138387.4(G6PC3):c.325G>A (p.Gly109Ser)

Gene: G6PC3 (glucose-6-phosphatase catalytic subunit 3; plus strand). Cytogenetic location: 17q21.31.
Variant type: single nucleotide variant.
Coding change: c.325G>A on transcript NM_138387.4 (MANE Select); coding-DNA position 325, G replaced by A.
Protein change: p.Gly109Ser; replaces glycine 109 with serine.
Molecular consequence: missense variant. On other transcripts: 5 prime UTR variant (4).
Genome position (GRCh38, 1-based): chr17:44,074,266, G>A. VCF-style: chr17-44074266-G-A. GRCh37 (hg19) VCF-style: chr17-42151634-G-A.
Other names: c.325G>A, p.Gly109Ser (NM_001319945.2); c.-21G>A (NM_001384165.1, NM_001384166.1, NM_001384167.1 and 1 more transcripts); short protein forms G109S.
Identifiers: ClinVar variation 2780392 (VCV002780392.4), dbSNP rs2509364519, ClinGen allele CA399725999.